The following is an entry in ClinVar:

NM_018979.4(WNK1):c.6928G>A (p.Ala2310Thr)

Gene: WNK1 (WNK lysine deficient protein kinase 1; plus strand). Cytogenetic location: 12p13.33.
Variant type: single nucleotide variant.
Coding change: c.6928G>A on transcript NM_018979.4 (MANE Select); coding-DNA position 6928, G replaced by A.
Protein change: p.Ala2310Thr; replaces alanine 2310 with threonine.
Molecular consequence: missense variant.
Genome position (GRCh38, 1-based): chr12:908,571, G>A. VCF-style: chr12-908571-G-A. GRCh37 (hg19) VCF-style: chr12-1017737-G-A.
Other names: c.7708G>A, p.Ala2570Thr (NM_001184985.2); c.6184G>A, p.Ala2062Thr (NM_014823.3); c.7684G>A, p.Ala2562Thr (NM_213655.5); short protein forms A2562T, A2570T, A2062T, A2310T.
Identifiers: ClinVar variation 1484885 (VCV001484885.8), dbSNP rs2154104493, ClinGen allele CA383340943.

ClinVar aggregate classification (germline): Uncertain significance (1 of 4 stars; one submission).

Conditions:
Neuropathy, hereditary sensory and autonomic, type 2A (HSAN2A). Also called: ACROOSTEOLYSIS, GIACCAI TYPE; ACROOSTEOLYSIS, NEUROGENIC; MORVAN DISEASE; NEUROPATHY, CONGENITAL SENSORY; NEUROPATHY, HEREDITARY SENSORY RADICULAR, AUTOSOMAL RECESSIVE; NEUROPATHY, HEREDITARY SENSORY, TYPE IIA. Identifiers: Orphanet 970, MedGen C2752089, MONDO:0024309, OMIM 201300.
Pseudohypoaldosteronism type 2C (PHA2C). Also called: Pseudohypoaldosteronism Type IIC. Identifiers: Orphanet 757, Orphanet 88940, MedGen C1840391, MONDO:0013778, OMIM 614492.

Submission:

Labcorp Genetics (formerly Invitae), Labcorp
Classification: Uncertain significance for Neuropathy, hereditary sensory and autonomic, type 2A; Pseudohypoaldosteronism type 2C. Last evaluated: 2020-11-25. Review status: criteria provided, single submitter. Criteria: Invitae Variant Classification Sherloc (09022015). Collection method: clinical testing. Allele origin: germline.
Comment: This variant is not present in population databases (ExAC no frequency). In summary, the available evidence is currently insufficient to determine the role of this variant in disease. Therefore, it has been classified as a Variant of Uncertain Significance. Advanced modeling of protein sequence and biophysical properties (such as structural, functional, and spatial information, amino acid conservation, physicochemical variation, residue mobility, and thermodynamic stability) performed at Invitae indicates that this missense variant is not expected to disrupt WNK1 protein function. This variant has not been reported in the literature in individuals with WNK1-related conditions. This sequence change replaces alanine with threonine at codon 2562 of the WNK1 protein (p.Ala2562Thr). The alanine residue is highly conserved and there is a small physicochemical difference between alanine and threonine.